The following is an entry in ClinVar:

NM_001194.4(HCN2):c.1667T>C (p.Met556Thr)

Gene: HCN2 (hyperpolarization activated cyclic nucleotide gated potassium and sodium channel 2; plus strand). Cytogenetic location: 19p13.3.
Variant type: single nucleotide variant.
Coding change: c.1667T>C on transcript NM_001194.4 (MANE Select); coding-DNA position 1667, T replaced by C.
Protein change: p.Met556Thr; replaces methionine 556 with threonine.
Molecular consequence: missense variant.
Genome position (GRCh38, 1-based): chr19:613,330, T>C. VCF-style: chr19-613330-T-C. GRCh37 (hg19) VCF-style: chr19-613330-T-C.
Other names: short protein forms M556T.
Identifiers: ClinVar variation 5022613 (VCV005022613.1).

ClinVar aggregate classification (germline): Uncertain significance (1 of 4 stars; one submission).

Conditions:
Inborn genetic diseases. Identifiers: MedGen C0950123, MeSH D030342.

gnomAD v4.1: 8 of 1,612,926 alleles (0.0005%); highest among the groups gnomAD compares: Non-Finnish European, 0.00068%; no homozygotes.

Submission:

Ambry Genetics
Classification: Uncertain significance for Inborn genetic diseases. Last evaluated: 2026-06-22. Review status: criteria provided, single submitter. Criteria: Ambry Variant Classification Scheme 2023. Collection method: clinical testing. Allele origin: germline.
Comment: The c.1667T>C (p.M556T) alteration is located in exon 6 (coding exon 6) of the HCN2 gene. This alteration results from a T to C substitution at nucleotide position 1667, causing the methionine (M) at amino acid position 556 to be replaced by a threonine (T). Based on data from gnomAD, the C allele has an overall frequency of 0.003% (1/31284) total alleles studied. The highest observed frequency was 0.007% (1/15358) of European (non-Finnish) alleles. Based on insufficient or conflicting evidence, the clinical significance of this alteration remains unclear.